The following is an entry in ClinVar:

ClinVar aggregate classification (germline): Benign (0 of 4 stars; one submission).

Conditions:
MACROD2-related disorder. Also called: MACROD2-related condition.

Allele frequency attached by ClinVar (database versions not stated): gnomAD exomes 0.21486; ESP Exome Variant Server 0.23616; ExAC 0.23703; gnomAD 0.24283; TOPMed 0.24892; 1000 Genomes Project 0.25779; 1000 Genomes Project 30x 0.26015.
gnomAD v4.1: 336,765 of 1,544,974 alleles (22%); highest among the groups gnomAD compares: African/African-American, 30%; 38,090 homozygotes.

Submission:

PreventionGenetics, part of Exact Sciences
Classification: Benign for MACROD2-related condition. Last evaluated: 2019-10-18. Review status: no assertion criteria provided. Collection method: clinical testing. Allele origin: germline.
Comment: This variant is classified as benign based on ACMG/AMP sequence variant interpretation guidelines (Richards et al. 2015 PMID: 25741868, with internal and published modifications).

NM_001351661.2(MACROD2):c.173C>T (p.Thr58Ile)

Gene: MACROD2 (mono-ADP ribosylhydrolase 2; plus strand). Cytogenetic location: 20p12.1.
Variant type: single nucleotide variant.
Coding change: c.173C>T on transcript NM_001351661.2 (MANE Select); coding-DNA position 173, C replaced by T.
Protein change: p.Thr58Ile; replaces threonine 58 with isoleucine.
Molecular consequence: missense variant.
Genome position (GRCh38, 1-based): chr20:14,085,630, C>T. VCF-style: chr20-14085630-C-T. GRCh37 (hg19) VCF-style: chr20-14066276-C-T.
Other names: c.173C>T, p.Thr58Ile (NM_001033086.1, NM_001351663.2, NM_080676.6); short protein forms T58I.
Identifiers: ClinVar variation 3059666 (VCV003059666.2), dbSNP rs2990505, ClinGen allele CA9768808.